The following is an entry in ClinVar:

NM_197968.4(ZMYM2):c.3786C>G (p.Tyr1262Ter)

Gene: ZMYM2 (zinc finger MYM-type containing 2; plus strand). Cytogenetic location: 13q12.11.
Variant type: single nucleotide variant.
Coding change: c.3786C>G on transcript NM_197968.4 (MANE Select); coding-DNA position 3786, C replaced by G.
Protein change: p.Tyr1262Ter; replaces tyrosine 1262 with a stop codon.
Molecular consequence: nonsense. On other transcripts: non-coding transcript variant (1).
Genome position (GRCh38, 1-based): chr13:20,082,998, C>G. VCF-style: chr13-20082998-C-G. GRCh37 (hg19) VCF-style: chr13-20657138-C-G.
Other names: c.3786C>G, p.Tyr1262Ter (NM_001190964.4, NM_001190965.4, NM_001353157.2 and 4 more transcripts); c.3591C>G, p.Tyr1197Ter (NM_001353161.3); c.3525C>G, p.Tyr1175Ter (NM_001353163.2); short protein forms Y1175*, Y1197*, Y1262*.
Identifiers: ClinVar variation 3345390 (VCV003345390.1).

ClinVar aggregate classification (germline): Uncertain significance (0 of 4 stars; one submission).

Conditions:
ZMYM2-related disorder. Also called: ZMYM2-related condition.

Submission:

PreventionGenetics, part of Exact Sciences
Classification: Uncertain significance for ZMYM2-related condition. Last evaluated: 2024-06-06. Review status: no assertion criteria provided. Collection method: clinical testing. Allele origin: germline.
Comment: The ZMYM2 c.3786C>G variant is predicted to result in premature protein termination (p.Tyr1262*). To our knowledge, this variant has not been reported in the literature or in a large population database, indicating this variant is rare. Although we suspect that this variant may be pathogenic, at this time, the clinical significance of this variant is uncertain due to the absence of conclusive functional and genetic evidence.